The following is an entry in ClinVar:

ClinVar aggregate classification (germline): Conflicting classifications of pathogenicity. Review status: criteria provided, conflicting classifications (1 of 4 stars). 3 submissions from 2 submitters: Uncertain significance (2); Likely benign (1). Last evaluated 2023-02-01.

Conditions:
Polydactyly. Also called: polydactylism. Identifiers: MedGen C0152427, MONDO:0021003, OMIM 603596, HP:0010442.
Greig cephalopolysyndactyly syndrome (GCPS). Also called: Greig syndrome; POLYSYNDACTYLY WITH PECULIAR SKULL SHAPE; GLI3-Related Greig Cephalopolysyndactyly Syndrome. Identifiers: Orphanet 380, MedGen C0265306, MONDO:0008287, OMIM 175700.

Allele frequency attached by ClinVar (database versions not stated): TOPMed 0.00084; gnomAD 0.00147 and 0.00153.

Submissions (3):

CeGaT Center for Human Genetics Tuebingen
Classification: Likely benign. Last evaluated: 2023-02-01. Review status: criteria provided, single submitter. Criteria: CeGaT Center For Human Genetics Tuebingen Variant Classification Criteria Version 2. Collection method: clinical testing. Allele origin: germline. Affected: yes. Observed: 5 variant alleles.
Comment: GLI3: BS1

Illumina Laboratory Services, Illumina
Classification: Uncertain significance for Polydactyly. Last evaluated: 2018-01-12. Review status: criteria provided, single submitter. Criteria: ICSL Variant Classification Criteria 13 December 2019. Collection method: clinical testing. Allele origin: germline.

Illumina Laboratory Services, Illumina
Classification: Uncertain significance for Greig cephalopolysyndactyly syndrome. Last evaluated: 2018-01-12. Review status: criteria provided, single submitter. Criteria: ICSL Variant Classification Criteria 13 December 2019. Collection method: clinical testing. Allele origin: germline.

NM_000168.6(GLI3):c.*2517G>A

Gene: GLI3 (GLI family zinc finger 3; minus strand). Cytogenetic location: 7p14.1.
Variant type: single nucleotide variant.
Coding change: c.*2517G>A on transcript NM_000168.6 (MANE Select); 2517 bases downstream of the stop codon, G replaced by A.
Molecular consequence: 3 prime UTR variant.
Genome position (GRCh38, 1-based): chr7:41,961,813, C>T on the plus strand (G>A on the coding strand, the complement: GLI3 is on the minus strand). VCF-style: chr7-41961813-C-T. GRCh37 (hg19) VCF-style: chr7-42001411-C-T.
Identifiers: ClinVar variation 909401 (VCV000909401.28), dbSNP rs568690074, ClinGen allele CA156898742.